The following is an entry in ClinVar:

ClinVar aggregate classification (germline): Uncertain significance. Review status: criteria provided, single submitter (1 of 4 stars). 2 submissions from 2 submitters: Uncertain significance (1). 1 of the submissions does not count toward it. Last evaluated 2026-01-05.

Allele frequency attached by ClinVar (database versions not stated): ExAC 0.00002; TOPMed 0.00004; gnomAD 0.00006 and 0.00007; gnomAD exomes 0.00012; 1000 Genomes Project 0.00020; 1000 Genomes Project 30x 0.00031.
gnomAD v4.1: 44 of 1,614,034 alleles (0.0027%); highest among the groups gnomAD compares: Admixed American, 0.068%; no homozygotes.

Submissions (2):

Labcorp Genetics (formerly Invitae), Labcorp
Classification: Uncertain significance. Last evaluated: 2026-01-05. Review status: criteria provided, single submitter. Criteria: Invitae Variant Classification Sherloc (09022015). Collection method: clinical testing. Allele origin: germline.
Comment: This sequence change replaces arginine, which is basic and polar, with serine, which is neutral and polar, at codon 125 of the RPL9 protein (p.Arg125Ser). This variant is present in population databases (rs145459909, gnomAD 0.08%), and has an allele count higher than expected for a pathogenic variant. This missense change has been observed in individual(s) with Diamond-Blackfan anemia (PMID: 20116044). ClinVar contains an entry for this variant (Variation ID: 393355). An algorithm developed to predict the effect of missense changes on protein structure and function (PolyPhen-2) suggests that this variant is likely to be tolerated. In summary, the available evidence is currently insufficient to determine the role of this variant in disease. Therefore, it has been classified as a Variant of Uncertain Significance.

OMIM
Classification: Uncertain significance for VARIANT OF UNKNOWN SIGNIFICANCE. Last evaluated: 2010-02-12. Review status: no assertion criteria provided. Collection method: literature only. Allele origin: germline. Not counted in ClinVar's aggregate classification.

Literature cited by the submitters: PubMed 20116044 (cited by Labcorp Genetics (formerly Invitae), Labcorp and OMIM).

NM_000661.5(RPL9):c.375G>C (p.Arg125Ser)

Gene: RPL9 (ribosomal protein L9; minus strand). Cytogenetic location: 4p14.
Variant type: single nucleotide variant.
Coding change: c.375G>C on transcript NM_000661.5 (MANE Select); coding-DNA position 375, G replaced by C.
Protein change: p.Arg125Ser; replaces arginine 125 with serine.
Molecular consequence: missense variant.
Genome position (GRCh38, 1-based): chr4:39,456,422, C>G on the plus strand (G>C on the coding strand, the complement: RPL9 is on the minus strand). VCF-style: chr4-39456422-C-G. GRCh37 (hg19) VCF-style: chr4-39458042-C-G.
Other names: c.375G>C, p.Arg125Ser (NM_001024921.4); short protein forms R125S.
Identifiers: ClinVar variation 393355 (VCV000393355.6), dbSNP rs145459909, ClinGen allele CA2894295.
Genomic context (GRCh38, chr4:39,456,422, plus strand): 5'-ATGAAGGAAAAATTTCTTAATTCTGTCTGAGGGTATGCACATACCTGGTCTCATCCGAAC[C>G]CTGCGGATATATTTTTCACCCAAGAAATTTCGGATTTCAACAAGAGACCCATTCTCCTGG-3'
Protein context (NP_000652.2, residues 115-135): RNFLGEKYIR[Arg125Ser]VRMRPGVACS